The following is an entry in ClinVar:

NC_000017.10:g.(?_29585352)_(29670163_?)dup

Genes: EVI2A (ecotropic viral integration site 2A; minus strand), EVI2B (ecotropic viral integration site 2B; minus strand), NF1 (neurofibromin 1; plus strand), OMG (oligodendrocyte myelin glycoprotein; minus strand). Cytogenetic location: 17q11.2.
Variant type: Duplication.
Identifiers: ClinVar variation 2422739 (VCV002422739.4).

ClinVar aggregate classification (germline): Likely pathogenic (1 of 4 stars; one submission).

Conditions:
Neurofibromatosis, type 1 (NF1). Also called: Peripheral type neurofibromatosis; VON RECKLINGHAUSEN DISEASE; NEUROFIBROMATOSIS, TYPE I, SOMATIC; Neurofibromatosis, type I. Identifiers: Orphanet 636, MedGen C0027831, MONDO:0018975, OMIM 162200. Disease mechanism: loss of function.

Submission:

Labcorp Genetics (formerly Invitae), Labcorp
Classification: Likely pathogenic for Neurofibromatosis, type 1. Last evaluated: 2022-05-12. Review status: criteria provided, single submitter. Criteria: Invitae Variant Classification Sherloc (09022015). Collection method: clinical testing. Allele origin: germline.
Comment: This variant results in a copy number gain of the genomic region encompassing exon(s) 31-47 of the NF1 gene. While the exact position of this variant cannot be determined from the data, sub-genic copy number gains are generally in tandem (PMID: 25640679). This variant is predicted to be out-of-frame, and may result in an absent or disrupted protein product. Loss-of-function variants in NF1 are known to be pathogenic (PMID: 10712197, 23913538). This variant has not been reported in the literature in individuals affected with NF1-related conditions. In summary, the currently available evidence indicates that the variant is pathogenic, but additional data are needed to prove that conclusively. Therefore, this variant has been classified as Likely Pathogenic.

Literature cited by the submitters: PubMed 25640679; PubMed 10712197; PubMed 23913538.